The following is an entry in ClinVar:

NM_001008537.3(NEXMIF):c.2610G>C (p.Glu870Asp)

Gene: NEXMIF (neurite extension and migration factor; minus strand). Cytogenetic location: Xq13.3.
Variant type: single nucleotide variant.
Coding change: c.2610G>C on transcript NM_001008537.3 (MANE Select); coding-DNA position 2610, G replaced by C.
Protein change: p.Glu870Asp; replaces glutamic acid 870 with aspartic acid.
Molecular consequence: missense variant.
Genome position (GRCh38, 1-based): chrX:74,741,947, C>G on the plus strand (G>C on the coding strand, the complement: NEXMIF is on the minus strand). VCF-style: chrX-74741947-C-G. GRCh37 (hg19) VCF-style: chrX-73961782-C-G.
Other names: short protein forms E870D.
Identifiers: ClinVar variation 3905694 (VCV003905694.10).
Genomic context (GRCh38, chrX:74,741,947, plus strand): 5'-GGGCCACACATTTCTATAGTTGCTTGATTCCATTTTGAAGTTATGAGATGACTGCTGCAG[C>G]TCAGAGTCAGAGGATGAGGTGAGCACACAGTCCTGGGTAGGCTGGAGGGGTACAAATGAT-3'
Protein context (NP_001008537.1, residues 860-880): DCVLTSSSDS[Glu870Asp]LQQSSHNFKM

ClinVar aggregate classification (germline): Uncertain significance (1 of 4 stars; one submission).

Submission:

CeGaT Center for Human Genetics Tuebingen
Classification: Uncertain significance. Last evaluated: 2025-05-01. Review status: criteria provided, single submitter. Criteria: CeGaT Center For Human Genetics Tuebingen Variant Classification Criteria Version 2. Collection method: clinical testing. Allele origin: germline. Affected: yes. Observed: 1 variant allele.
Comment: NEXMIF: PM2, BP1, BP4